The following is an entry in ClinVar:

ClinVar aggregate classification (germline): Uncertain significance (1 of 4 stars; one submission).

Conditions:
Encephalopathy, acute, infection-induced (herpes-specific), susceptibility to, 1. Also called: Herpes simplex encephalitis, susceptibility to, 1. Identifiers: Orphanet 1930, MedGen C2750180, MONDO:0024563, OMIM 610551.

Submission:

Labcorp Genetics (formerly Invitae), Labcorp
Classification: Uncertain significance for Encephalopathy, acute, infection-induced (herpes-specific), susceptibility to, 1. Last evaluated: 2021-08-30. Review status: criteria provided, single submitter. Criteria: Invitae Variant Classification Sherloc (09022015). Collection method: clinical testing. Allele origin: germline.
Comment: In summary, the available evidence is currently insufficient to determine the role of this variant in disease. Therefore, it has been classified as a Variant of Uncertain Significance. Experimental studies and prediction algorithms are not available or were not evaluated, and the functional significance of this variant is currently unknown. This variant has not been reported in the literature in individuals affected with UNC93B1-related conditions. The frequency data for this variant in the population databases is considered unreliable, as metrics indicate insufficient coverage at this position in the ExAC database. This sequence change replaces valine with aspartic acid at codon 509 of the UNC93B1 protein (p.Val509Asp). The valine residue is weakly conserved and there is a large physicochemical difference between valine and aspartic acid.

NM_030930.4(UNC93B1):c.1526T>A (p.Val509Asp)

Gene: UNC93B1 (unc-93B1 regulator of TLR signaling; minus strand). Cytogenetic location: 11q13.2.
Variant type: single nucleotide variant.
Coding change: c.1526T>A on transcript NM_030930.4 (MANE Select); coding-DNA position 1526, T replaced by A.
Protein change: p.Val509Asp; replaces valine 509 with aspartic acid.
Molecular consequence: missense variant.
Genome position (GRCh38, 1-based): chr11:67,991,814, A>T on the plus strand (T>A on the coding strand, the complement: UNC93B1 is on the minus strand). VCF-style: chr11-67991814-A-T. GRCh37 (hg19) VCF-style: chr11-67759285-A-T.
Other names: short protein forms V509D.
Identifiers: ClinVar variation 1370097 (VCV001370097.6), dbSNP rs1856848591, ClinGen allele CA381567663.